The following is an entry in ClinVar:

ClinVar aggregate classification (germline): Uncertain significance (0 of 4 stars; one submission).

Conditions:
Prostate cancer. Also called: Malignant tumor of prostate. Identifiers: Orphanet 1331, MedGen C0376358, MONDO:0008315, HP:0012125.

Submission:

Science for Life laboratory,  Karolinska Institutet
Classification: Uncertain significance for Malignant tumor of prostate. Review status: no assertion criteria provided. Collection method: not provided. Allele origin: somatic.
Comment: TumorID:SWE-92A
ClinVar note: Converted during submission from Unknown to Uncertain significance.

NM_024603.4(BEND5):c.1210A>G (p.Ile404Val)

Genes: AGBL4 (AGBL carboxypeptidase 4; minus strand), BEND5 (BEN domain containing 5; minus strand). Cytogenetic location: 1p33.
Variant type: single nucleotide variant.
Coding change: c.1210A>G on transcript NM_024603.4 (MANE Select); coding-DNA position 1210, A replaced by G.
Protein change: p.Ile404Val; replaces isoleucine 404 with valine.
Molecular consequence: missense variant. On other transcripts: non-coding transcript variant (1), intron variant (4).
Genome position (GRCh38, 1-based): chr1:48,727,942, T>C on the plus strand (A>G on the coding strand, the complement: BEND5 is on the minus strand). VCF-style: chr1-48727942-T-C. GRCh37 (hg19) VCF-style: chr1-49193614-T-C.
Other names: c.703A>G, p.Ile235Val (NM_001302082.2, NM_001349793.2, NM_001349794.2); c.955A>G, p.Ile319Val (NM_001349795.2); c.635-64701A>G (NM_001323575.2, NM_032785.4); c.671-64701A>G (NM_001323573.2, NM_001323574.2); short protein forms I404V, I235V, I319V.
Identifiers: ClinVar variation 161769 (VCV000161769.2), dbSNP rs193921115, ClinGen allele CA174750.